The following is an entry in ClinVar:

ClinVar aggregate classification (germline): Likely pathogenic (1 of 4 stars; one submission).

Conditions:
Inborn genetic diseases. Identifiers: MedGen C0950123, MeSH D030342.

Submission:

Ambry Genetics
Classification: Likely pathogenic for Inborn genetic diseases. Last evaluated: 2025-11-12. Review status: criteria provided, single submitter. Criteria: Ambry Variant Classification Scheme 2023. Collection method: clinical testing. Allele origin: germline.
Comment: The c.2T>C (p.M1?) alteration is located in coding exon 1 of the BCL11B gene and results from a T to C substitution at nucleotide position 1. This alters the methionine residue at the initiation codon (ATG). Variations that modify the initiation codon (ATG) are expected to result in either loss of translation initiation, N-terminal truncation, or cause a shift in the mRNA reading frame. This variant was not reported in population-based cohorts in the Genome Aggregation Database (gnomAD). This variant was reported in individual(s) with features consistent with BCL11B-related neurodevelopmental disorder; in at least one individual, it was determined to be de novo (Sabbagh, 2024). This amino acid position is highly conserved in available vertebrate species. Based on the available evidence, this alteration is classified as likely pathogenic.

Literature cited by the submitters: PubMed 37860968.

NM_138576.4(BCL11B):c.2T>C (p.Met1Thr)

Gene: BCL11B (BCL11 transcription factor B; minus strand). Cytogenetic location: 14q32.2.
Variant type: single nucleotide variant.
Coding change: c.2T>C on transcript NM_138576.4 (MANE Select); coding-DNA position 2, T replaced by C.
Protein change: p.Met1Thr; changes the start codon (methionine 1).
Molecular consequence: missense variant, initiator codon variant.
Genome position (GRCh38, 1-based): chr14:99,271,217, A>G on the plus strand (T>C on the coding strand, the complement: BCL11B is on the minus strand). VCF-style: chr14-99271217-A-G. GRCh37 (hg19) VCF-style: chr14-99737554-A-G.
Other names: c.2T>C, p.Met1Thr (NM_022898.3, NM_001282237.2, NM_001282238.2); short protein forms M1T.
Identifiers: ClinVar variation 3260636 (VCV003260636.2).
Genomic context (GRCh38, chr14:99,271,217, plus strand): 5'-TTACGGGTGATGAGCTCCCTCTGGGACAAGTGCTGCGGGTTGCCCTGTTTGCGGCGGGAC[A>G]TTGCCCCGGCATCTATTCTGGCATCGCCCGGAGAGCTGCACTGATGGGGGGAGCCGGGGG-3'
Protein context (NP_612808.1, residues 1-11): [Met1Thr]SRRKQGNPQH